The following is an entry in ClinVar:

NM_002227.4(JAK1):c.2953G>A (p.Val985Ile)

Gene: JAK1 (Janus kinase 1; minus strand). Cytogenetic location: 1p31.3.
Variant type: single nucleotide variant.
Coding change: c.2953G>A on transcript NM_002227.4 (MANE Select); coding-DNA position 2953, G replaced by A.
Protein change: p.Val985Ile; replaces valine 985 with isoleucine.
Molecular consequence: missense variant.
Genome position (GRCh38, 1-based): chr1:64,838,479, C>T on the plus strand (G>A on the coding strand, the complement: JAK1 is on the minus strand). VCF-style: chr1-64838479-C-T. GRCh37 (hg19) VCF-style: chr1-65304162-C-T.
Other names: c.2953G>A, p.Val985Ile (NM_001320923.2, NM_001321852.2, NM_001321853.2 and 3 more transcripts); c.2950G>A, p.Val984Ile (NM_001321857.2); short protein forms V984I, V985I.
Identifiers: ClinVar variation 1522682 (VCV001522682.6), dbSNP rs367582687, ClinGen allele CA892559.

ClinVar aggregate classification (germline): Uncertain significance (1 of 4 stars; one submission).

Allele frequency attached by ClinVar (database versions not stated): gnomAD exomes 0.00008 and 0.00013; ExAC 0.00011; TOPMed 0.00021; gnomAD 0.00023 and 0.00025; ESP Exome Variant Server 0.00025; 1000 Genomes Project 30x 0.00031.
gnomAD v4.1: 150 of 1,613,860 alleles (0.0093%); highest among the groups gnomAD compares: African/African-American, 0.056%; no homozygotes.

Submission:

Labcorp Genetics (formerly Invitae), Labcorp
Classification: Uncertain significance. Last evaluated: 2025-12-24. Review status: criteria provided, single submitter. Criteria: Invitae Variant Classification Sherloc (09022015). Collection method: clinical testing. Allele origin: germline.
Comment: This sequence change replaces valine, which is neutral and non-polar, with isoleucine, which is neutral and non-polar, at codon 985 of the JAK1 protein (p.Val985Ile). This variant is present in population databases (rs367582687, gnomAD 0.05%), and has an allele count higher than expected for a pathogenic variant. This variant has not been reported in the literature in individuals affected with JAK1-related conditions. ClinVar contains an entry for this variant (Variation ID: 1522682). Invitae Evidence Modeling of protein sequence and biophysical properties (such as structural, functional, and spatial information, amino acid conservation, physicochemical variation, residue mobility, and thermodynamic stability) indicates that this missense variant is not expected to disrupt JAK1 protein function with a negative predictive value of 80%. In summary, the available evidence is currently insufficient to determine the role of this variant in disease. Therefore, it has been classified as a Variant of Uncertain Significance.